The following is an entry in ClinVar:

ClinVar aggregate classification (germline): Likely pathogenic (1 of 4 stars; one submission).

Allele frequency attached by ClinVar (database versions not stated): gnomAD exomes 0.00001.
gnomAD v4.1: 11 of 1,579,066 alleles (0.0007%); highest among the groups gnomAD compares: Non-Finnish European, 0.00096%; no homozygotes.

Submission:

Labcorp Genetics (formerly Invitae), Labcorp
Classification: Likely pathogenic. Last evaluated: 2021-02-26. Review status: criteria provided, single submitter. Criteria: Invitae Variant Classification Sherloc (09022015). Collection method: clinical testing. Allele origin: germline.
Comment: This sequence change affects an acceptor splice site in intron 6 of the CNGB3 gene. It is expected to disrupt RNA splicing and likely results in an absent or disrupted protein product. This variant is not present in population databases (ExAC no frequency). This variant has not been reported in the literature in individuals with CNGB3-related conditions. Algorithms developed to predict the effect of sequence changes on RNA splicing suggest that this variant may disrupt the consensus splice site, but this prediction has not been confirmed by published transcriptional studies. Donor and acceptor splice site variants typically lead to a loss of protein function (PMID: 16199547), and loss-of-function variants in CNGB3 are known to be pathogenic (PMID: 28795510). In summary, the currently available evidence indicates that the variant is pathogenic, but additional data are needed to prove that conclusively. Therefore, this variant has been classified as Likely Pathogenic.

Literature cited by the submitters: PubMed 16199547; PubMed 28795510.

NM_019098.5(CNGB3):c.853-1G>T

Gene: CNGB3 (cyclic nucleotide gated channel subunit beta 3; minus strand). Cytogenetic location: 8q21.3.
Variant type: single nucleotide variant.
Coding change: c.853-1G>T on transcript NM_019098.5 (MANE Select); the canonical splice acceptor site of the intron before coding-DNA position 853, G replaced by T.
Molecular consequence: splice acceptor variant.
Genome position (GRCh38, 1-based): chr8:86,654,063, C>A on the plus strand (G>T on the coding strand, the complement: CNGB3 is on the minus strand). VCF-style: chr8-86654063-C-A. GRCh37 (hg19) VCF-style: chr8-87666291-C-A.
Identifiers: ClinVar variation 943525 (VCV000943525.8), dbSNP rs1823456874, ClinGen allele CA371448550.
Genomic context (GRCh38, chr8:86,654,063, plus strand): 5'-GTCACCTACCTGAAATTTTGTAGAAGTCCTGTAGTGTTTCCTTAGCTCATTTGAATCCAC[C>A]TGAAAGATATTTGTATTTTCATTAATTTTAGCCAATTTCATCAATTATTTTTTTCTCACT-3'